The following is an entry in ClinVar:

ClinVar aggregate classification (germline): Likely benign (1 of 4 stars; one submission).

Submission:

GeneDx
Classification: Likely benign. Last evaluated: 2016-09-30. Review status: criteria provided, single submitter. Criteria: GeneDx Variant Classification (06012015). Collection method: clinical testing. Allele origin: germline. Affected: yes.
Comment: This variant is considered likely benign or benign based on one or more of the following criteria: it is a conservative change, it occurs at a poorly conserved position in the protein, it is predicted to be benign by multiple in silico algorithms, and/or has population frequency not consistent with disease.

NM_012123.4(MTO1):c.1308T>C (p.Pro436=)

Gene: MTO1 (mitochondrial tRNA translation optimization 1; plus strand). Cytogenetic location: 6q13.
Variant type: single nucleotide variant.
Coding change: c.1308T>C on transcript NM_012123.4 (MANE Select); coding-DNA position 1308, T replaced by C.
Protein change: p.Pro436=; no amino-acid change (proline 436 retained).
Molecular consequence: synonymous variant.
Genome position (GRCh38, 1-based): chr6:73,482,087, T>C. VCF-style: chr6-73482087-T-C. GRCh37 (hg19) VCF-style: chr6-74191810-T-C.
Other names: c.1428T>C, p.Pro476= (NM_001123226.2); c.1383T>C, p.Pro461= (NM_133645.3).
Identifiers: ClinVar variation 389187 (VCV000389187.1), dbSNP rs1057523355, ClinGen allele CA16605570.